The following is an entry in ClinVar:

ClinVar aggregate classification (germline): Uncertain significance. Review status: criteria provided, multiple submitters, no conflicts (2 of 4 stars). 3 submissions from 3 submitters: Uncertain significance (3). Last evaluated 2025-07-18.

Conditions:
Hereditary cancer-predisposing syndrome. Also called: Neoplastic Syndromes, Hereditary; Tumor predisposition; Hereditary neoplastic syndrome; Hereditary Cancer Syndrome. Identifiers: Orphanet 140162, MedGen C0027672, MeSH D009386, MONDO:0015356.
Endometrial carcinoma. Also called: Endometrial carcinoma, somatic. Identifiers: MedGen C0476089, MONDO:0002447, OMIM 608089, HP:0012114.

Allele frequency attached by ClinVar (database versions not stated): gnomAD below 0.00001 and 0.00001; gnomAD exomes below 0.00001 and 0.00001.
gnomAD v4.1: 5 of 1,613,900 alleles (0.00031%); highest among the groups gnomAD compares: South Asian, 0.0055%; no homozygotes.

Submissions (3):

Labcorp Genetics (formerly Invitae), Labcorp
Classification: Uncertain significance. Last evaluated: 2025-07-18. Review status: criteria provided, single submitter. Criteria: Invitae Variant Classification Sherloc (09022015). Collection method: clinical testing. Allele origin: germline.
Comment: This sequence change replaces threonine, which is neutral and polar, with alanine, which is neutral and non-polar, at codon 127 of the MSH3 protein (p.Thr127Ala). This variant is present in population databases (no rsID available, gnomAD 0.007%). This variant has not been reported in the literature in individuals affected with MSH3-related conditions. ClinVar contains an entry for this variant (Variation ID: 643079). An algorithm developed to predict the effect of missense changes on protein structure and function (PolyPhen-2) suggests that this variant is likely to be tolerated. In summary, the available evidence is currently insufficient to determine the role of this variant in disease. Therefore, it has been classified as a Variant of Uncertain Significance.

Baylor Genetics
Classification: Uncertain significance for Endometrial carcinoma. Last evaluated: 2023-06-23. Review status: criteria provided, single submitter. Criteria: ACMG Guidelines, 2015. Collection method: clinical testing. Allele origin: unknown.

Ambry Genetics
Classification: Uncertain significance for Hereditary cancer-predisposing syndrome. Last evaluated: 2019-12-09. Review status: criteria provided, single submitter. Criteria: Ambry Variant Classification Scheme 2023. Collection method: clinical testing. Allele origin: germline.
Comment: The p.T127A variant (also known as c.379A>G), located in coding exon 3 of the MSH3 gene, results from an A to G substitution at nucleotide position 379. The threonine at codon 127 is replaced by alanine, an amino acid with similar properties. This amino acid position is not well conserved in available vertebrate species. In addition, this alteration is predicted to be tolerated by in silico analysis. Since supporting evidence is limited at this time, the clinical significance of this alteration remains unclear.

NM_002439.5(MSH3):c.379A>G (p.Thr127Ala)

Gene: MSH3 (mutS homolog 3; plus strand). Cytogenetic location: 5q14.1.
Variant type: single nucleotide variant.
Coding change: c.379A>G on transcript NM_002439.5 (MANE Select); coding-DNA position 379, A replaced by G.
Protein change: p.Thr127Ala; replaces threonine 127 with alanine.
Molecular consequence: missense variant.
Genome position (GRCh38, 1-based): chr5:80,665,163, A>G. VCF-style: chr5-80665163-A-G. GRCh37 (hg19) VCF-style: chr5-79960982-A-G.
Other names: short protein forms T127A.
Identifiers: ClinVar variation 643079 (VCV000643079.12), dbSNP rs1343040610, ClinGen allele CA360263011.